The following is an entry in ClinVar:

ClinVar aggregate classification (germline): Uncertain significance (1 of 4 stars; one submission).

Allele frequency attached by ClinVar (database versions not stated): gnomAD exomes below 0.00001.
gnomAD v4.1: 1 of 1,613,568 alleles (0.000062%); highest among the groups gnomAD compares: Non-Finnish European, 0.000085%; no homozygotes.

Submission:

CeGaT Center for Human Genetics Tuebingen
Classification: Uncertain significance. Last evaluated: 2023-06-01. Review status: criteria provided, single submitter. Criteria: CeGaT Center For Human Genetics Tuebingen Variant Classification Criteria Version 2. Collection method: clinical testing. Allele origin: germline. Affected: yes. Observed: 1 variant allele.
Comment: COQ8A: PM2, PP3

NM_020247.5(COQ8A):c.872C>T (p.Pro291Leu)

Gene: COQ8A (coenzyme Q8A; plus strand). Cytogenetic location: 1q42.13.
Variant type: single nucleotide variant.
Coding change: c.872C>T on transcript NM_020247.5 (MANE Select); coding-DNA position 872, C replaced by T.
Protein change: p.Pro291Leu; replaces proline 291 with leucine.
Molecular consequence: missense variant.
Genome position (GRCh38, 1-based): chr1:226,982,696, C>T. VCF-style: chr1-226982696-C-T. GRCh37 (hg19) VCF-style: chr1-227170397-C-T.
Other names: short protein forms P291L.
Identifiers: ClinVar variation 2570754 (VCV002570754.27), dbSNP rs2528365945, ClinGen allele CA345052277.